The following is an entry in ClinVar:

NM_201384.3(PLEC):c.2326G>A (p.Glu776Lys)

Gene: PLEC (plectin; minus strand). Cytogenetic location: 8q24.3.
Variant type: single nucleotide variant.
Coding change: c.2326G>A on transcript NM_201384.3 (MANE Select); coding-DNA position 2326, G replaced by A.
Protein change: p.Glu776Lys; replaces glutamic acid 776 with lysine.
Molecular consequence: missense variant.
Genome position (GRCh38, 1-based): chr8:143,930,515, C>T on the plus strand (G>A on the coding strand, the complement: PLEC is on the minus strand). VCF-style: chr8-143930515-C-T. GRCh37 (hg19) VCF-style: chr8-145004683-C-T.
Other names: c.2407G>A, p.Glu803Lys (NM_000445.5, NM_001410941.1); c.2284G>A, p.Glu762Lys (NM_201378.4); c.2260G>A, p.Glu754Lys (NM_201379.3); c.2737G>A, p.Glu913Lys (NM_201380.4); c.2230G>A, p.Glu744Lys (NM_201381.3); c.2326G>A, p.Glu776Lys (NM_201382.4); c.2338G>A, p.Glu780Lys (NM_201383.3); short protein forms E780K, E913K, E744K, E754K, E762K, E776K, E803K.
Identifiers: ClinVar variation 2945959 (VCV002945959.3), dbSNP rs781907409, ClinGen allele CA4927569.

ClinVar aggregate classification (germline): Uncertain significance (1 of 4 stars; one submission).

Conditions:
Epidermolysis bullosa simplex with nail dystrophy (EBS5D). Identifiers: MedGen C4225309, MONDO:0014661, OMIM 616487.
Epidermolysis bullosa simplex, Ogna type (EBS5A). Also called: Pidermolysis bullosa simplex 5A, Ogna type; EPIDERMOLYSIS BULLOSA SIMPLEX 5A, OGNA TYPE. Identifiers: Orphanet 79401, MedGen C0432317, MONDO:0007555, OMIM 131950.
Autosomal recessive limb-girdle muscular dystrophy type 2Q (LGMDR17). Also called: MUSCULAR DYSTROPHY, LIMB-GIRDLE, AUTOSOMAL RECESSIVE 17. Identifiers: Orphanet 254361, MedGen C3150989, MONDO:0013390, OMIM 613723.
Epidermolysis bullosa simplex 5B, with muscular dystrophy (EBS5B). Also called: EPIDERMOLYSIS BULLOSA SIMPLEX AND LIMB-GIRDLE MUSCULAR DYSTROPHY; Epidermolysis bullosa simplex with muscular dystrophy. Identifiers: Orphanet 257, MedGen C2931072, MONDO:0009181, OMIM 226670.
Epidermolysis bullosa simplex 5C, with pyloric atresia (EBS5C). Also called: PLEC-Related Epidermolysis Bullosa with Pyloric Atresia; Epidermolysis bullosa simplex with pyloric atresia; PLEC1-Related Epidermolysis Bullosa with Pyloric Atresia. Identifiers: Orphanet 158684, MedGen C2677349, MONDO:0012807, OMIM 612138.

Allele frequency attached by ClinVar (database versions not stated): ExAC 0.00009.
gnomAD v4.1: 20 of 1,596,094 alleles (0.0013%); highest among the groups gnomAD compares: Non-Finnish European, 0.0015%; no homozygotes.

Submission:

Labcorp Genetics (formerly Invitae), Labcorp
Classification: Uncertain significance for Autosomal recessive limb-girdle muscular dystrophy type 2Q; Epidermolysis bullosa simplex, Ogna type; Epidermolysis bullosa simplex with nail dystrophy; Epidermolysis bullosa simplex 5C, with pyloric atresia; Epidermolysis bullosa simplex 5B, with muscular dystrophy. Last evaluated: 2024-08-21. Review status: criteria provided, single submitter. Criteria: Invitae Variant Classification Sherloc (09022015). Collection method: clinical testing. Allele origin: germline.
Comment: This sequence change replaces glutamic acid, which is acidic and polar, with lysine, which is basic and polar, at codon 803 of the PLEC protein (p.Glu803Lys). The frequency data for this variant in the population databases is considered unreliable, as metrics indicate poor data quality at this position in the gnomAD database. This variant has not been reported in the literature in individuals affected with PLEC-related conditions. Invitae Evidence Modeling of protein sequence and biophysical properties (such as structural, functional, and spatial information, amino acid conservation, physicochemical variation, residue mobility, and thermodynamic stability) indicates that this missense variant is expected to disrupt PLEC protein function with a positive predictive value of 80%. In summary, the available evidence is currently insufficient to determine the role of this variant in disease. Therefore, it has been classified as a Variant of Uncertain Significance.